The following is an entry in ClinVar:

NM_152296.5(ATP1A3):c.598G>A (p.Gly200Ser)

Gene: ATP1A3 (ATPase Na+/K+ transporting subunit alpha 3; minus strand). Cytogenetic location: 19q13.2.
Variant type: single nucleotide variant.
Coding change: c.598G>A on transcript NM_152296.5 (MANE Select); coding-DNA position 598, G replaced by A.
Protein change: p.Gly200Ser; replaces glycine 200 with serine.
Molecular consequence: missense variant.
Genome position (GRCh38, 1-based): chr19:41,985,872, C>T on the plus strand (G>A on the coding strand, the complement: ATP1A3 is on the minus strand). VCF-style: chr19-41985872-C-T. GRCh37 (hg19) VCF-style: chr19-42490024-C-T.
Other names: c.631G>A, p.Gly211Ser (NM_001256213.2); c.637G>A, p.Gly213Ser (NM_001256214.2); short protein forms G211S, G213S, G200S.
Identifiers: ClinVar variation 1035075 (VCV001035075.15), dbSNP rs1555865238, ClinGen allele CA406054258.

ClinVar aggregate classification (germline): Uncertain significance. Review status: criteria provided, multiple submitters, no conflicts (2 of 4 stars). 2 submissions from 2 submitters: Uncertain significance (2). Last evaluated 2025-11-01.

Conditions:
Dystonia 12 (DYT12). Also called: Rapid-Onset Dystonia-Parkinsonism (RDP); DYT-ATP1A3. Identifiers: Orphanet 71517, MedGen C1868681, MONDO:0007496, OMIM 128235.

Allele frequency attached by ClinVar (database versions not stated): gnomAD exomes below 0.00001; TOPMed below 0.00001; gnomAD 0.00001.
gnomAD v4.1: 5 of 1,613,912 alleles (0.00031%); highest among the groups gnomAD compares: Admixed American, 0.0033%; no homozygotes.

Submissions (2):

CeGaT Center for Human Genetics Tuebingen
Classification: Uncertain significance. Last evaluated: 2025-11-01. Review status: criteria provided, single submitter. Criteria: CeGaT Center For Human Genetics Tuebingen Variant Classification Criteria Version 2. Collection method: clinical testing. Allele origin: germline. Affected: yes. Observed: 1 variant allele.
Comment: ATP1A3: PP2

Labcorp Genetics (formerly Invitae), Labcorp
Classification: Uncertain significance for Dystonia 12. Last evaluated: 2024-01-19. Review status: criteria provided, single submitter. Criteria: Invitae Variant Classification Sherloc (09022015). Collection method: clinical testing. Allele origin: germline.
Comment: This sequence change replaces glycine, which is neutral and non-polar, with serine, which is neutral and polar, at codon 200 of the ATP1A3 protein (p.Gly200Ser). This variant is present in population databases (no rsID available, gnomAD 0.003%). This variant has not been reported in the literature in individuals affected with ATP1A3-related conditions. ClinVar contains an entry for this variant (Variation ID: 1035075). Advanced modeling of protein sequence and biophysical properties (such as structural, functional, and spatial information, amino acid conservation, physicochemical variation, residue mobility, and thermodynamic stability) has been performed at Invitae for this missense variant, however the output from this modeling did not meet the statistical confidence thresholds required to predict the impact of this variant on ATP1A3 protein function. In summary, the available evidence is currently insufficient to determine the role of this variant in disease. Therefore, it has been classified as a Variant of Uncertain Significance.